The following is an entry in ClinVar:

NM_001200.4(BMP2):c.508C>T (p.Arg170Ter)

Gene: BMP2 (bone morphogenetic protein 2; plus strand). Cytogenetic location: 20p12.3.
Variant type: single nucleotide variant.
Coding change: c.508C>T on transcript NM_001200.4 (MANE Select); coding-DNA position 508, C replaced by T.
Protein change: p.Arg170Ter; replaces arginine 170 with a stop codon.
Molecular consequence: nonsense.
Genome position (GRCh38, 1-based): chr20:6,778,406, C>T. VCF-style: chr20-6778406-C-T. GRCh37 (hg19) VCF-style: chr20-6759053-C-T.
Other names: c.508C>T (NM_001200.2); short protein forms R170*.
Identifiers: ClinVar variation 816934 (VCV000816934.10), dbSNP rs1600173184, ClinGen allele CA408258496.
Genomic context (GRCh38, chr20:6,778,406, plus strand): 5'-CTTCAGGTTTTCCGAGAACAGATGCAAGATGCTTTAGGAAACAATAGCAGTTTCCATCAC[C>T]GAATTAATATTTATGAAATCATAAAACCTGCAACAGCCAACTCGAAATTCCCCGTGACCA-3'

ClinVar aggregate classification (germline): Pathogenic/Likely pathogenic. Review status: criteria provided, multiple submitters, no conflicts (2 of 4 stars). 4 submissions from 4 submitters: Pathogenic (3); Likely pathogenic (1). Last evaluated 2026-09-09.

Conditions:
Short stature, facial dysmorphism, and skeletal anomalies with or without cardiac anomalies 1. Identifiers: MedGen C5542952, MONDO:0100297, OMIM 617877.
Short stature, facial dysmorphism, and skeletal anomalies with or without cardiac anomalies. Identifiers: MedGen CN294045, MONDO:0031439, MONDO:0060649.

Submissions (4):

GeneDx
Classification: Likely pathogenic. Last evaluated: 2026-09-09. Review status: criteria provided, single submitter. Criteria: GeneDx Variant Classification Process June 2021. Collection method: clinical testing. Allele origin: germline.
Comment: Identified in patients with features consistent with BMP2-related multiple anomalies referred for genetic testing at GeneDx and in published literature (PMID: 32256301, 34949530, 37125634); Nonsense variant predicted to result in protein truncation, as the last 227 amino acid(s) are lost, and other loss-of-function variants have been reported downstream in HGMD; Not observed at significant frequency in large population cohorts (gnomAD); This variant is associated with the following publications: (PMID: Mensah2020[preprint], 32256301, 34949530, 37236975, 37125634)

Victorian Clinical Genetics Services, Murdoch Childrens Research Institute
Classification: Pathogenic for Short stature, facial dysmorphism, and skeletal anomalies with or without cardiac anomalies 1. Last evaluated: 2023-07-16. Review status: criteria provided, single submitter. Criteria: ACMG Guidelines, 2015. Collection method: clinical testing. Allele origin: germline. Inheritance: Autosomal dominant inheritance. Affected: yes.
Comment: Based on the classification scheme VCGS_Germline_v1.3.4, this variant is classified as Pathogenic. Following criteria are met: 0102 - Loss of function is a likely mechanism of disease in this gene and is associated with short stature, facial dysmorphism, and skeletal anomalies with or without cardiac anomalies 1 (MIM#617877). Brachydactyly, type A2 (MIM#112600) has also been associated with this gene, but the mechanism is unclear and it has only been reported in individuals with copy number variants affecting a regulatory region (PMID: 35227291, PMID: 29198724). (I) 0107 - This gene is associated with autosomal dominant disease. (I) 0204 - Variant is predicted to result in a truncated protein (premature termination codon is NOT located at least 54 nucleotides upstream of the final exon-exon junction) with at least 1/3 of the protein sequence affected. (SP) 0251 - This variant is heterozygous. (I) 0301 - Variant is absent from gnomAD (both v2 and v3). (SP) 0600 - Variant results in the loss of part of the TGF-beta propeptide domain, and all of the transforming growth factor beta like domain (DECIPHER). (I) 0701 - Other downstream protein truncating variants comparable to the one identified in this case have very strong previous evidence for pathogenicity. These variants have been reported as pathogenic, and observed in individuals with a short stature syndrome (DECIPHER, PMID: 29198724). (SP) 0802 - This variant has moderate previous evidence of pathogenicity in unrelated individuals. This variant has been reported as pathogenic, and observed in at least two families with short stature syndrome or an abnormal palate with atrial septal defect. The proband in one family was more severely affected, and had an additional de novo variant in the DVL1 gene resulting in a blended phenotype (ClinVar, PMID: 32256301, PMID: 34949530). (SP) 1208 - Inheritance information for this variant is not currently available in this individual. (I) Legend: (SP) - Supporting pathogenic, (I) - Information, (SB) - Supporting benign

Labcorp Genetics (formerly Invitae), Labcorp
Classification: Pathogenic. Last evaluated: 2021-11-21. Review status: criteria provided, single submitter. Criteria: Invitae Variant Classification Sherloc (09022015). Collection method: clinical testing. Allele origin: germline.
Comment: For these reasons, this variant has been classified as Pathogenic. This variant disrupts a region of the BMP2 protein in which other variant(s) (p.Cys329*) have been determined to be pathogenic (PMID: 29198724). This suggests that this is a clinically significant region of the protein, and that variants that disrupt it are likely to be disease-causing. ClinVar contains an entry for this variant (Variation ID: 816934). This variant has not been reported in the literature in individuals affected with BMP2-related conditions. This variant is not present in population databases (gnomAD no frequency). This sequence change creates a premature translational stop signal (p.Arg170*) in the BMP2 gene. While this is not anticipated to result in nonsense mediated decay, it is expected to disrupt the last 227 amino acid(s) of the BMP2 protein.

Genomic Medicine Lab, University of California San Francisco
Classification: Pathogenic for Short stature, facial dysmorphism, and skeletal anomalies with or without cardiac anomalies 1. Last evaluated: 2019-03-21. Review status: criteria provided, single submitter. Criteria: ACMG Guidelines, 2015. Collection method: clinical testing. Allele origin: maternal. Inheritance: Autosomal dominant inheritance. Affected: yes. Study: CSER.

Literature cited by the submitters: PubMed 29198724 (cited by Victorian Clinical Genetics Services, Murdoch Childrens Research Institute and Labcorp Genetics (formerly Invitae), Labcorp); PubMed 32256301 (cited by Victorian Clinical Genetics Services, Murdoch Childrens Research Institute); PubMed 34949530 (cited by Victorian Clinical Genetics Services, Murdoch Childrens Research Institute); PubMed 35227291 (cited by Victorian Clinical Genetics Services, Murdoch Childrens Research Institute).